The following is an entry in ClinVar:

ClinVar aggregate classification (germline): Uncertain significance. Review status: criteria provided, multiple submitters, no conflicts (2 of 4 stars). 2 submissions from 2 submitters: Uncertain significance (2). Last evaluated 2024-04-16.

Conditions:
DICER1-related tumor predisposition. Also called: DICER1-related pleuropulmonary blastoma cancer predisposition syndrome; DICER1 syndrome. Identifiers: Orphanet 284343, MedGen C3839822, MONDO:0100216.
Hereditary cancer-predisposing syndrome. Also called: Neoplastic Syndromes, Hereditary; Hereditary Cancer Syndrome; Hereditary neoplastic syndrome; Tumor predisposition. Identifiers: Orphanet 140162, MedGen C0027672, MeSH D009386, MONDO:0015356.

Submissions (2):

Ambry Genetics
Classification: Uncertain significance for Hereditary cancer-predisposing syndrome. Last evaluated: 2024-04-16. Review status: criteria provided, single submitter. Criteria: Ambry Variant Classification Scheme 2023. Collection method: clinical testing. Allele origin: germline.
Comment: The p.S1232G variant (also known as c.3694A>G), located in coding exon 20 of the DICER1 gene, results from an A to G substitution at nucleotide position 3694. The serine at codon 1232 is replaced by glycine, an amino acid with similar properties. This amino acid position is well conserved in available vertebrate species. In addition, the in silico prediction for this alteration is inconclusive. Based on the available evidence, the clinical significance of this variant remains unclear.

Labcorp Genetics (formerly Invitae), Labcorp
Classification: Uncertain significance for DICER1-related tumor predisposition. Last evaluated: 2022-10-21. Review status: criteria provided, single submitter. Criteria: Invitae Variant Classification Sherloc (09022015). Collection method: clinical testing. Allele origin: germline.
Comment: In summary, the available evidence is currently insufficient to determine the role of this variant in disease. Therefore, it has been classified as a Variant of Uncertain Significance. Algorithms developed to predict the effect of missense changes on protein structure and function (SIFT, PolyPhen-2, Align-GVGD) all suggest that this variant is likely to be tolerated. ClinVar contains an entry for this variant (Variation ID: 824080). This variant has not been reported in the literature in individuals affected with DICER1-related conditions. This variant is not present in population databases (gnomAD no frequency). This sequence change replaces serine, which is neutral and polar, with glycine, which is neutral and non-polar, at codon 1232 of the DICER1 protein (p.Ser1232Gly).

NM_177438.3(DICER1):c.3694A>G (p.Ser1232Gly)

Gene: DICER1 (dicer 1, ribonuclease III; minus strand). Cytogenetic location: 14q32.13.
Variant type: single nucleotide variant.
Coding change: c.3694A>G on transcript NM_177438.3 (MANE Select); coding-DNA position 3694, A replaced by G.
Protein change: p.Ser1232Gly; replaces serine 1232 with glycine.
Molecular consequence: missense variant.
Genome position (GRCh38, 1-based): chr14:95,103,702, T>C on the plus strand (A>G on the coding strand, the complement: DICER1 is on the minus strand). VCF-style: chr14-95103702-T-C. GRCh37 (hg19) VCF-style: chr14-95570039-T-C.
Other names: c.3694A>G, p.Ser1232Gly (NM_001195573.1, NM_001271282.3, NM_001291628.2 and 1 more transcripts); short protein forms S1232G.
Identifiers: ClinVar variation 824080 (VCV000824080.15), dbSNP rs1595365364, ClinGen allele CA390874327.
Genomic context (GRCh38, chr14:95,103,702, plus strand): 5'-AGGTAGATTTGTTAGCATTTCCATCAAGGTATTTATTACTCAGGAGAGTACATTCATCGC[T>C]GGGCTGGGGCTGGTTCTCGTAACTGTATAAATTCTGAATGGAATATGAGGTAGTTGGTTG-3'
Protein context (NP_803187.1, residues 1222-1242): LYSYENQPQP[Ser1232Gly]DECTLLSNKY